The following is an entry in ClinVar:

NM_001184880.2(PCDH19):c.1725C>T (p.Val575=)

Gene: PCDH19 (protocadherin 19; minus strand). Cytogenetic location: Xq22.1.
Variant type: single nucleotide variant.
Coding change: c.1725C>T on transcript NM_001184880.2 (MANE Select); coding-DNA position 1725, C replaced by T.
Protein change: p.Val575=; no amino-acid change (valine 575 retained).
Molecular consequence: synonymous variant.
Genome position (GRCh38, 1-based): chrX:100,406,873, G>A on the plus strand (C>T on the coding strand, the complement: PCDH19 is on the minus strand). VCF-style: chrX-100406873-G-A. GRCh37 (hg19) VCF-style: chrX-99661871-G-A.
Other names: p.V575V:GTC>GTT; c.1725C>T, p.Val575= (NM_001105243.2, NM_020766.3).
Identifiers: ClinVar variation 138600 (VCV000138600.65), dbSNP rs200471732, ClinGen allele CA295129.

ClinVar aggregate classification (germline): Benign/Likely benign. Review status: criteria provided, multiple submitters, no conflicts (2 of 4 stars). 11 submissions from 11 submitters: Benign (4); Likely benign (5). 2 of the submissions do not count toward it. Last evaluated 2026-02-02.

Conditions:
Inborn genetic diseases. Identifiers: MedGen C0950123, MeSH D030342.
Developmental and epileptic encephalopathy, 9 (DEE9). Also called: JUBERG-HELLMAN SYNDROME; EPILEPSY, FEMALE-RESTRICTED, WITH MENTAL RETARDATION; Early infantile epileptic encephalopathy 9; PCDH19-Related X-Linked Female-Limited Epilepsy with Mental Retardation. Identifiers: Orphanet 101039, Orphanet 2076, MedGen C1848137, MONDO:0010246, OMIM 300088. Disease mechanism: loss of function.

Allele frequency attached by ClinVar (database versions not stated): ESP Exome Variant Server 0.00020; gnomAD 0.00021 and 0.00026; gnomAD exomes 0.00024 and 0.00052; ExAC 0.00030; TOPMed 0.00033; 1000 Genomes Project 0.00079; 1000 Genomes Project 30x 0.00083.
gnomAD v4.1: 295 of 1,210,158 alleles (0.024%); highest among the groups gnomAD compares: Middle Eastern, 0.55%; no homozygotes.

Submissions (11):

Labcorp Genetics (formerly Invitae), Labcorp
Classification: Benign for Developmental and epileptic encephalopathy, 9. Last evaluated: 2026-02-02. Review status: criteria provided, single submitter. Criteria: Invitae Variant Classification Sherloc (09022015). Collection method: clinical testing. Allele origin: germline.

CeGaT Center for Human Genetics Tuebingen
Classification: Likely benign. Last evaluated: 2024-07-01. Review status: criteria provided, single submitter. Criteria: CeGaT Center For Human Genetics Tuebingen Variant Classification Criteria Version 2. Collection method: clinical testing. Allele origin: germline. Affected: yes. Observed: 4 variant alleles.
Comment: PCDH19: BP4, BP7, BS2

Blueprint Genetics
Classification: Likely benign. Last evaluated: 2024-04-18. Review status: criteria provided, single submitter. Criteria: ACMG Guidelines, 2015. Collection method: clinical testing. Allele origin: germline.

Athena Diagnostics
Classification: Benign. Last evaluated: 2018-08-15. Review status: criteria provided, single submitter. Criteria: Athena Diagnostics Criteria. Collection method: clinical testing. Allele origin: germline.

Ambry Genetics
Classification: Likely benign for Inborn genetic diseases. Last evaluated: 2017-06-20. Review status: criteria provided, single submitter. Criteria: Ambry Variant Classification Scheme 2023. Collection method: clinical testing. Allele origin: germline.

Eurofins Ntd Llc (ga)
Classification: Benign. Last evaluated: 2016-01-07. Review status: criteria provided, single submitter. Criteria: EGL Classification Definitions 2015. Collection method: clinical testing. Allele origin: germline. Observed: 1 variant allele, 1 heterozygote.

Genetic Services Laboratory, University of Chicago
Classification: Likely benign. Last evaluated: 2013-12-31. Review status: criteria provided, single submitter. Criteria: ACMG Guidelines, 2007. Collection method: clinical testing. Allele origin: germline. Inheritance: X-linked inheritance.
Comment: Likely benign based on allele frequency in 1000 Genomes Project or ESP global frequency and its presence in a patient with a rare or unrelated disease phenotype. NOT Sanger confirmed

GeneDx
Classification: Benign. Last evaluated: 2013-10-21. Review status: criteria provided, single submitter. Criteria: GeneDx Variant Classification (06012015). Collection method: clinical testing. Allele origin: germline. Affected: yes.
Comment: This variant is considered likely benign or benign based on one or more of the following criteria: it is a conservative change, it occurs at a poorly conserved position in the protein, it is predicted to be benign by multiple in silico algorithms, and/or has population frequency not consistent with disease.

Breakthrough Genomics
Classification: Likely benign. Review status: criteria provided, single submitter. Criteria: ACMG Guidelines, 2015. Collection method: not provided. Allele origin: germline. Inheritance: X-linked inheritance. Affected: yes.

Clinical Genetics DNA and cytogenetics Diagnostics Lab, Erasmus MC, Erasmus Medical Center
Classification: Likely benign. Review status: no assertion criteria provided. Collection method: clinical testing. Allele origin: germline. Affected: yes. Study: VKGL Data-share Consensus. Not counted in ClinVar's aggregate classification.

Genome Diagnostics Laboratory, University Medical Center Utrecht
Classification: Likely benign. Review status: no assertion criteria provided. Collection method: clinical testing. Allele origin: germline. Affected: yes. Study: VKGL Data-share Consensus. Not counted in ClinVar's aggregate classification.